The following is an entry in ClinVar:

NM_177438.3(DICER1):c.2399del (p.Arg800fs)

Gene: DICER1 (dicer 1, ribonuclease III; minus strand). Cytogenetic location: 14q32.13.
Variant type: Deletion.
Coding change: c.2399del on transcript NM_177438.3 (MANE Select); coding-DNA position 2399, one base deleted (G; older notation c.2399delG).
Protein change: p.Arg800fs; shifts the reading frame from arginine 800.
Molecular consequence: frameshift variant.
Genome position (GRCh38, 1-based): chr14:95,108,361, C deleted on the plus strand (G on the coding strand, the reverse complement: DICER1 is on the minus strand). VCF-style (leftmost placement, unchanged base first): chr14-95108360-TC-T. GRCh37 (hg19) VCF-style: chr14-95574697-TC-T.
Other names: c.2399delG (NM_177438.2); c.2399del, p.Arg800fs (NM_001195573.1, NM_001271282.3, NM_001291628.2 and 1 more transcripts); short protein forms R800fs.
Identifiers: ClinVar variation 429160 (VCV000429160.8), dbSNP rs1131691228, ClinGen allele CA645369627.

ClinVar aggregate classification (germline): Pathogenic. Review status: criteria provided, multiple submitters, no conflicts (2 of 4 stars). 2 submissions from 2 submitters: Pathogenic (2). Last evaluated 2019-07-01.

Conditions:
DICER1-related tumor predisposition. Also called: DICER1-related pleuropulmonary blastoma cancer predisposition syndrome; DICER1 syndrome. Identifiers: Orphanet 284343, MedGen C3839822, MONDO:0100216.
Hereditary cancer-predisposing syndrome. Also called: Hereditary neoplastic syndrome; Tumor predisposition; Neoplastic Syndromes, Hereditary; Hereditary Cancer Syndrome. Identifiers: Orphanet 140162, MedGen C0027672, MeSH D009386, MONDO:0015356.

Submissions (2):

Foulkes Cancer Genetics LDI, Lady Davis Institute for Medical Research
Classification: Pathogenic for Pleuropulmonary blastoma. Last evaluated: 2019-07-01. Review status: criteria provided, single submitter. Criteria: ACMG Guidelines, 2015. Collection method: curation. Allele origin: germline. Affected: yes. Observed: 2 variant alleles.
Comment: ACMG criteria met: PVS1, PM2, PP4

Ambry Genetics
Classification: Pathogenic for Hereditary cancer-predisposing syndrome. Last evaluated: 2014-11-04. Review status: criteria provided, single submitter. Criteria: Ambry Variant Classification Scheme 2023. Collection method: clinical testing. Allele origin: germline.
Comment: The c.2399delG pathogenic mutation, located in coding exon 14 of the DICER1 gene, results from a deletion of one nucleotide at nucleotide position 2399, causing a translational frameshift with a predicted alternate stop codon. Since frameshifts are typically deleterious in nature, this alteration is interpreted as a disease-causing mutation (ACMG Recommendations for Standards for Interpretation and Reporting of Sequence Variations. Revision 2007. Genet Med. 2008;10:294).

Literature cited by the submitters: PubMed 26566882 (cited by Foulkes Cancer Genetics LDI, Lady Davis Institute for Medical Research).